The following is an entry in ClinVar:

NM_004304.5(ALK):c.4262T>G (p.Val1421Gly)

Gene: ALK (ALK receptor tyrosine kinase; minus strand). Cytogenetic location: 2p23.2.
Variant type: single nucleotide variant.
Coding change: c.4262T>G on transcript NM_004304.5 (MANE Select); coding-DNA position 4262, T replaced by G.
Protein change: p.Val1421Gly; replaces valine 1421 with glycine.
Molecular consequence: missense variant.
Genome position (GRCh38, 1-based): chr2:29,193,825, A>C on the plus strand (T>G on the coding strand, the complement: ALK is on the minus strand). VCF-style: chr2-29193825-A-C. GRCh37 (hg19) VCF-style: chr2-29416691-A-C.
Other names: c.1058T>G, p.Val353Gly (NM_001353765.2); short protein forms V1421G, V353G.
Identifiers: ClinVar variation 538195 (VCV000538195.11), dbSNP rs1472924406, ClinGen allele CA346462963.
Genomic context (GRCh38, chr2:29,193,825, plus strand): 5'-GGGGCAGCTGGGCTGCGCTCCTCCTCCCGTTTTGCCTGTTGAGAGACCAGGAGAGGAGGA[A>C]CCCCCTCAGGGTCCTTGGGCCTCACAGGCACTTTCTCTTCCTCTTCCACAAGTGGACCAT-3'
Protein context (NP_004295.2, residues 1411-1431): VPVRPKDPEG[Val1421Gly]PPLLVSQQAK

ClinVar aggregate classification (germline): Uncertain significance. Review status: criteria provided, multiple submitters, no conflicts (2 of 4 stars). 3 submissions from 3 submitters: Uncertain significance (3). Last evaluated 2025-11-25.

Conditions:
Hereditary cancer-predisposing syndrome. Also called: Neoplastic Syndromes, Hereditary; Tumor predisposition; Hereditary Cancer Syndrome; Hereditary neoplastic syndrome. Identifiers: Orphanet 140162, MedGen C0027672, MeSH D009386, MONDO:0015356.
Neuroblastoma, susceptibility to, 3. Also called: ALK-Related Neuroblastic Tumor Susceptibility. Identifiers: Orphanet 635, MedGen C2751681, MONDO:0013083, OMIM 613014.

Allele frequency attached by ClinVar (database versions not stated): TOPMed below 0.00001.

Submissions (3):

Labcorp Genetics (formerly Invitae), Labcorp
Classification: Uncertain significance for Neuroblastoma, susceptibility to, 3. Last evaluated: 2025-11-25. Review status: criteria provided, single submitter. Criteria: Invitae Variant Classification Sherloc (09022015). Collection method: clinical testing. Allele origin: germline.
Comment: This sequence change replaces valine, which is neutral and non-polar, with glycine, which is neutral and non-polar, at codon 1421 of the ALK protein (p.Val1421Gly). This variant is not present in population databases (gnomAD no frequency). This variant has not been reported in the literature in individuals affected with ALK-related conditions. ClinVar contains an entry for this variant (Variation ID: 538195). An algorithm developed to predict the effect of missense changes on protein structure and function (PolyPhen-2) suggests that this variant is likely to be tolerated. In summary, the available evidence is currently insufficient to determine the role of this variant in disease. Therefore, it has been classified as a Variant of Uncertain Significance.

GeneDx
Classification: Uncertain significance. Last evaluated: 2022-12-06. Review status: criteria provided, single submitter. Criteria: GeneDx Variant Classification Process June 2021. Collection method: clinical testing. Allele origin: germline. Affected: yes.
Comment: Not observed at significant frequency in large population cohorts (gnomAD); In silico analysis supports that this missense variant has a deleterious effect on protein structure/function; Has not been previously published as pathogenic or benign to our knowledge; This variant is associated with the following publications: (PMID: 30886832)

Ambry Genetics
Classification: Uncertain significance for Hereditary cancer-predisposing syndrome. Last evaluated: 2022-09-16. Review status: criteria provided, single submitter. Criteria: Ambry Variant Classification Scheme 2023. Collection method: clinical testing. Allele origin: germline.
Comment: The p.V1421G variant (also known as c.4262T>G), located in coding exon 29 of the ALK gene, results from a T to G substitution at nucleotide position 4262. The valine at codon 1421 is replaced by glycine, an amino acid with dissimilar properties. This amino acid position is conserved. In addition, this alteration is predicted to be tolerated by in silico analysis. Since supporting evidence is limited at this time, the clinical significance of this alteration remains unclear.